The following is an entry in ClinVar:

ClinVar aggregate classification (germline): Likely pathogenic (1 of 4 stars; one submission).

Conditions:
Pheochromocytoma/paraganglioma syndrome 5. Also called: Paragangliomas 5; SDHA-Related Hereditary Paraganglioma-Pheochromocytoma Syndrome. Identifiers: Orphanet 29072, MedGen C3279992, MONDO:0013602, OMIM 614165.

Submission:

Myriad Genetics, Inc.
Classification: Likely pathogenic for Pheochromocytoma/paraganglioma syndrome 5. Last evaluated: 2025-04-23. Review status: criteria provided, single submitter. Criteria: Myriad Autosomal Dominant, Autosomal Recessive and X-Linked Classification Criteria (2023). Collection method: clinical testing. Allele origin: unknown.
Comment: This variant is considered likely pathogenic. This variant occurs within a consensus splice junction and is predicted to result in abnormal mRNA splicing of either an out-of-frame exon or an in-frame exon necessary for protein stability and/or normal function.

NM_004168.4(SDHA):c.1552-1G>A

Gene: SDHA (succinate dehydrogenase complex flavoprotein subunit A; plus strand). Cytogenetic location: 5p15.33.
Variant type: single nucleotide variant.
Coding change: c.1552-1G>A on transcript NM_004168.4 (MANE Select); the canonical splice acceptor site of the intron before coding-DNA position 1552, G replaced by A.
Molecular consequence: splice acceptor variant. On other transcripts: intron variant (1).
Genome position (GRCh38, 1-based): chr5:250,991, G>A. VCF-style: chr5-250991-G-A. GRCh37 (hg19) VCF-style: chr5-251106-G-A.
Other names: c.1552-3402G>A (NM_001330758.2); c.1408-1G>A (NM_001294332.2).
Identifiers: ClinVar variation 4071374 (VCV004071374.1).